The following is an entry in ClinVar:

NM_000540.3(RYR1):c.4406G>T (p.Arg1469Leu)

Gene: RYR1 (ryanodine receptor 1; plus strand). Cytogenetic location: 19q13.2.
Variant type: single nucleotide variant.
Coding change: c.4406G>T on transcript NM_000540.3 (MANE Select); coding-DNA position 4406, G replaced by T.
Protein change: p.Arg1469Leu; replaces arginine 1469 with leucine.
Molecular consequence: missense variant.
Genome position (GRCh38, 1-based): chr19:38,477,822, G>T. VCF-style: chr19-38477822-G-T. GRCh37 (hg19) VCF-style: chr19-38968462-G-T.
Other names: c.4406G>T, p.Arg1469Leu (NM_001042723.2); short protein forms R1469L.
Identifiers: ClinVar variation 4757309 (VCV004757309.1).
Genomic context (GRCh38, chr19:38,477,822, plus strand): 5'-CGGGCTGGGTCACCCCTGACTACCATCAGCACGACATGAGCTTCGACCTCAGCAAGGTCC[G>T]GGTCGTGACGGTGACCATGGGGGATGAACAAGGCAACGTCCACAGCAGGTGCCGGGGCTG-3'
Protein context (NP_000531.2, residues 1459-1479): HDMSFDLSKV[Arg1469Leu]VVTVTMGDEQ

ClinVar aggregate classification (germline): Uncertain significance (1 of 4 stars; one submission).

Conditions:
Malignant hyperthermia, susceptibility to, 1 (MHS1). Also called: RYR1-Related Malignant Hyperthermia Susceptibility; Malignant hyperthermia suceptibility 1; Anesthesia related hyperthermia; Malignant hyperpyrexia; Fulminating hyperpyrexia; Pharmacogenic myopathy. Identifiers: Orphanet 423, MedGen C2930980, MONDO:0007783, OMIM 145600.

Submission:

Color Diagnostics, LLC DBA Color Health
Classification: Uncertain significance for Malignant hyperthermia, susceptibility to, 1. Last evaluated: 2025-06-23. Review status: criteria provided, single submitter. Criteria: ACMG Guidelines, 2015. Collection method: clinical testing. Allele origin: germline.
Comment: This missense variant replaces arginine with leucine at codon 1469 of the RYR1 protein. Computational prediction is inconclusive regarding the impact of this variant on protein structure and function. To our knowledge, functional studies have not been reported for this variant. This variant has not been reported in individuals affected with RYR1-related disorders in the literature. This variant has not been identified in the general population by the Genome Aggregation Database (gnomAD). The available evidence is insufficient to determine the role of this variant in disease conclusively. Therefore, this variant is classified as a Variant of Uncertain Significance.